The following is an entry in ClinVar:

NM_000051.4(ATM):c.7200A>T (p.Arg2400Ser)

Genes: ATM (ATM serine/threonine kinase; plus strand), C11orf65 (chromosome 11 open reading frame 65; minus strand). Cytogenetic location: 11q22.3.
Variant type: single nucleotide variant.
Coding change: c.7200A>T on transcript NM_000051.4 (MANE Select); coding-DNA position 7200, A replaced by T.
Protein change: p.Arg2400Ser; replaces arginine 2400 with serine.
Molecular consequence: missense variant. On other transcripts: intron variant (2).
Genome position (GRCh38, 1-based): chr11:108,329,131, A>T. VCF-style: chr11-108329131-A-T. GRCh37 (hg19) VCF-style: chr11-108199858-A-T.
Other names: c.7200A>T, p.Arg2400Ser (NM_001351834.2); c.641-20060T>A (NM_001330368.2); c.*38+6089T>A (NM_001351110.2); short protein forms R2400S.
Identifiers: ClinVar variation 3966159 (VCV003966159.1).
Genomic context (GRCh38, chr11:108,329,131, plus strand): 5'-AAATGGAAAAATGAAGGCATTTCTCTCATTAGCCCGGTTTTCAGATACTCAATACCAAAG[A>T]ATTGAAAACTACATGAAATCATCGGAATTTGAAAACAAGCAAGCTCTCCTGAAAAGAGCC-3'
Protein context (NP_000042.3, residues 2390-2410): LARFSDTQYQ[Arg2400Ser]IENYMKSSEF

ClinVar aggregate classification (germline): Uncertain significance (1 of 4 stars; one submission).

Conditions:
Hereditary cancer-predisposing syndrome. Also called: Neoplastic Syndromes, Hereditary; Tumor predisposition; Hereditary Cancer Syndrome; Hereditary neoplastic syndrome. Identifiers: Orphanet 140162, MedGen C0027672, MeSH D009386, MONDO:0015356.

Submission:

Ambry Genetics
Classification: Uncertain significance for Hereditary cancer-predisposing syndrome. Last evaluated: 2025-03-28. Review status: criteria provided, single submitter. Criteria: Ambry Variant Classification Scheme 2023. Collection method: clinical testing. Allele origin: germline.
Comment: The p.R2400S variant (also known as c.7200A>T), located in coding exon 48 of the ATM gene, results from an A to T substitution at nucleotide position 7200. The arginine at codon 2400 is replaced by serine, an amino acid with dissimilar properties. This amino acid position is conserved. In addition, this alteration is predicted to be tolerated by in silico analysis. Based on the available evidence, the clinical significance of this variant remains unclear.